The following is an entry in ClinVar:

NM_006912.6(RIT1):c.52C>T (p.Leu18Phe)

Gene: RIT1 (Ras like without CAAX 1; minus strand). Cytogenetic location: 1q22.
Variant type: single nucleotide variant.
Coding change: c.52C>T on transcript NM_006912.6 (MANE Select); coding-DNA position 52, C replaced by T.
Protein change: p.Leu18Phe; replaces leucine 18 with phenylalanine.
Molecular consequence: missense variant. On other transcripts: intron variant (1).
Genome position (GRCh38, 1-based): chr1:155,910,710, G>A on the plus strand (C>T on the coding strand, the complement: RIT1 is on the minus strand). VCF-style: chr1-155910710-G-A. GRCh37 (hg19) VCF-style: chr1-155880501-G-A.
Other names: c.103C>T, p.Leu35Phe (NM_001256821.2); c.-2-204C>T (NM_001256820.2); short protein forms L18F, L35F.
Identifiers: ClinVar variation 4803100 (VCV004803100.1).

ClinVar aggregate classification (germline): Uncertain significance (1 of 4 stars; one submission).

Conditions:
Noonan syndrome 8 (NS8). Identifiers: Orphanet 648, MedGen C3809233, MONDO:0014143, OMIM 615355.

Submission:

Labcorp Genetics (formerly Invitae), Labcorp
Classification: Uncertain significance for Noonan syndrome 8. Last evaluated: 2025-04-24. Review status: criteria provided, single submitter. Criteria: Invitae Variant Classification Sherloc (09022015). Collection method: clinical testing. Allele origin: germline.
Comment: This sequence change replaces leucine, which is neutral and non-polar, with phenylalanine, which is neutral and non-polar, at codon 18 of the RIT1 protein (p.Leu18Phe). This variant is not present in population databases (gnomAD no frequency). This variant has not been reported in the literature in individuals affected with RIT1-related conditions. Invitae Evidence Modeling of protein sequence and biophysical properties (such as structural, functional, and spatial information, amino acid conservation, physicochemical variation, residue mobility, and thermodynamic stability) indicates that this missense variant is not expected to disrupt RIT1 protein function with a negative predictive value of 95%. In summary, the available evidence is currently insufficient to determine the role of this variant in disease. Therefore, it has been classified as a Variant of Uncertain Significance.